The following is an entry in ClinVar:

ClinVar aggregate classification (germline): Uncertain significance. Review status: criteria provided, multiple submitters, no conflicts (2 of 4 stars). 3 submissions from 3 submitters: Uncertain significance (2). 1 of the submissions does not count toward it. Last evaluated 2025-06-11.

Conditions:
Alstrom syndrome (ALMS). Identifiers: Orphanet 64, MedGen C0268425, MONDO:0008763, OMIM 203800.
Cardiovascular phenotype. Identifiers: MedGen CN230736.

Allele frequency attached by ClinVar (database versions not stated): gnomAD exomes below 0.00001 and 0.00001; ExAC 0.00001; TOPMed 0.00001.

Submissions (3):

Ambry Genetics
Classification: Uncertain significance for Cardiovascular phenotype. Last evaluated: 2025-06-11. Review status: criteria provided, single submitter. Criteria: Ambry Variant Classification Scheme 2023. Collection method: clinical testing. Allele origin: germline.
Comment: The p.Q2808P variant (also known as c.8423A>C), located in coding exon 10 of the ALMS1 gene, results from an A to C substitution at nucleotide position 8423. The glutamine at codon 2808 is replaced by proline, an amino acid with similar properties. This amino acid position is well conserved in available vertebrate species. In addition, the in silico prediction for this alteration is inconclusive. Based on the available evidence, the clinical significance of this variant remains unclear.

Labcorp Genetics (formerly Invitae), Labcorp
Classification: Uncertain significance for Alstrom syndrome. Last evaluated: 2022-05-17. Review status: criteria provided, single submitter. Criteria: Invitae Variant Classification Sherloc (09022015). Collection method: clinical testing. Allele origin: germline.
Comment: This sequence change replaces glutamine, which is neutral and polar, with proline, which is neutral and non-polar, at codon 2808 of the ALMS1 protein (p.Gln2808Pro). This variant is present in population databases (rs768782274, gnomAD 0.01%). This variant has not been reported in the literature in individuals affected with ALMS1-related conditions. ClinVar contains an entry for this variant (Variation ID: 835009). Experimental studies and prediction algorithms are not available or were not evaluated, and the functional significance of this variant is currently unknown. In summary, the available evidence is currently insufficient to determine the role of this variant in disease. Therefore, it has been classified as a Variant of Uncertain Significance.

Natera, Inc.
Classification: Uncertain significance for Alstrom syndrome. Last evaluated: 2020-01-24. Review status: no assertion criteria provided. Collection method: clinical testing. Allele origin: germline. Not counted in ClinVar's aggregate classification.

NM_001378454.1(ALMS1):c.8420A>C (p.Gln2807Pro)

Gene: ALMS1 (ALMS1 centrosome and basal body associated protein; plus strand). Cytogenetic location: 2p13.1.
Variant type: single nucleotide variant.
Coding change: c.8420A>C on transcript NM_001378454.1 (MANE Select); coding-DNA position 8420, A replaced by C.
Protein change: p.Gln2807Pro; replaces glutamine 2807 with proline.
Molecular consequence: missense variant.
Genome position (GRCh38, 1-based): chr2:73,490,379, A>C. VCF-style: chr2-73490379-A-C. GRCh37 (hg19) VCF-style: chr2-73717506-A-C.
Other names: c.8423A>C, p.Gln2808Pro (NM_015120.4); short protein forms Q2807P, Q2808P.
Identifiers: ClinVar variation 835009 (VCV000835009.11), dbSNP rs768782274, ClinGen allele CA1714467.